The following is an entry in ClinVar:

ClinVar aggregate classification (germline): Benign (1 of 4 stars; one submission).

Conditions:
Retinitis pigmentosa (RP). Identifiers: Orphanet 791, MedGen C0035334, MeSH D012174, MONDO:0019200, OMIM 268000. Inheritance: Autosomal dominant, autosomal recessive and X linked inheritance.

Allele frequency attached by ClinVar (database versions not stated): gnomAD exomes 0.00187; gnomAD 0.01464 and 0.01581; TOPMed 0.01648; 1000 Genomes Project 0.01797; 1000 Genomes Project 30x 0.01921.
gnomAD v4.1: 2,458 of 283,726 alleles (0.87%); highest among the groups gnomAD compares: African/African-American, 5%; 64 homozygotes.

Submission:

Illumina Laboratory Services, Illumina
Classification: Benign for Retinitis pigmentosa. Last evaluated: 2018-01-13. Review status: criteria provided, single submitter. Criteria: ICSL Variant Classification Criteria 13 December 2019. Collection method: clinical testing. Allele origin: germline.
Comment: This variant was observed in the ICSL laboratory as part of a predisposition screen in an ostensibly healthy population. It had not been previously curated by ICSL or reported in the Human Gene Mutation Database (HGMD: prior to June 1st, 2018), and was therefore a candidate for classification through an automated scoring system. Utilizing variant allele frequency, disease prevalence and penetrance estimates, and inheritance mode, an automated score was calculated to assess if this variant is too frequent to cause the disease. Based on the score and internal cut-off values, a variant classified as benign is not then subjected to further curation. The score for this variant resulted in a classification of benign for this disease.

NM_002098.6(GUCA1B):c.*433A>G

Gene: GUCA1B (guanylate cyclase activator 1B; minus strand). Cytogenetic location: 6p21.1.
Variant type: single nucleotide variant.
Coding change: c.*433A>G on transcript NM_002098.6 (MANE Select); 433 bases downstream of the stop codon, A replaced by G.
Molecular consequence: 3 prime UTR variant.
Genome position (GRCh38, 1-based): chr6:42,184,382, T>C on the plus strand (A>G on the coding strand, the complement: GUCA1B is on the minus strand). VCF-style: chr6-42184382-T-C. GRCh37 (hg19) VCF-style: chr6-42152120-T-C.
Identifiers: ClinVar variation 356725 (VCV000356725.6), dbSNP rs140024841, ClinGen allele CA10626720.